The following is an entry in ClinVar:

ClinVar aggregate classification (germline): Likely pathogenic (1 of 4 stars; one submission).

Allele frequency attached by ClinVar (database versions not stated): gnomAD exomes 0.00001 and 0.00002; ExAC 0.00003.
gnomAD v4.1: 9 of 1,564,398 alleles (0.00058%); highest among the groups gnomAD compares: Non-Finnish European, 0.00079%; no homozygotes.

Submission:

Labcorp Genetics (formerly Invitae), Labcorp
Classification: Likely pathogenic. Last evaluated: 2025-03-17. Review status: criteria provided, single submitter. Criteria: Invitae Variant Classification Sherloc (09022015). Collection method: clinical testing. Allele origin: germline.
Comment: This sequence change affects an acceptor splice site in intron 13 of the SI gene. It is expected to disrupt RNA splicing. Variants that disrupt the donor or acceptor splice site typically lead to a loss of protein function (PMID: 16199547), and loss-of-function variants in SI are known to be pathogenic (PMID: 16329100, 23103650, 25452324). This variant is present in population databases (rs767159890, gnomAD 0.004%). This variant has not been reported in the literature in individuals affected with SI-related conditions. ClinVar contains an entry for this variant (Variation ID: 1498771). Algorithms developed to predict the effect of sequence changes on RNA splicing suggest that this variant may disrupt the consensus splice site. In summary, the currently available evidence indicates that the variant is pathogenic, but additional data are needed to prove that conclusively. Therefore, this variant has been classified as Likely Pathogenic.

Literature cited by the submitters: PubMed 16199547; PubMed 16329100; PubMed 23103650; PubMed 25452324.

NM_001041.4(SI):c.1513-1G>A

Gene: SI (sucrase-isomaltase; minus strand). Cytogenetic location: 3q26.1.
Variant type: single nucleotide variant.
Coding change: c.1513-1G>A on transcript NM_001041.4 (MANE Select); the canonical splice acceptor site of the intron before coding-DNA position 1513, G replaced by A.
Molecular consequence: splice acceptor variant.
Genome position (GRCh38, 1-based): chr3:165,049,876, C>T on the plus strand (G>A on the coding strand, the complement: SI is on the minus strand). VCF-style: chr3-165049876-C-T. GRCh37 (hg19) VCF-style: chr3-164767664-C-T.
Identifiers: ClinVar variation 1498771 (VCV001498771.6), dbSNP rs767159890, ClinGen allele CA2691031.